The following is an entry in ClinVar:

ClinVar aggregate classification (germline): Pathogenic (1 of 4 stars; one submission).

Submission:

Labcorp Genetics (formerly Invitae), Labcorp
Classification: Pathogenic. Last evaluated: 2022-06-13. Review status: criteria provided, single submitter. Criteria: Invitae Variant Classification Sherloc (09022015). Collection method: clinical testing. Allele origin: germline.
Comment: This sequence change creates a premature translational stop signal (p.Tyr551*) in the CHM gene. It is expected to result in an absent or disrupted protein product. Loss-of-function variants in CHM are known to be pathogenic (PMID: 9067750, 23811034). This variant is not present in population databases (gnomAD no frequency). This variant has not been reported in the literature in individuals affected with CHM-related conditions. For these reasons, this variant has been classified as Pathogenic.

Literature cited by the submitters: PubMed 9067750; PubMed 23811034.

NM_000390.4(CHM):c.1653C>A (p.Tyr551Ter)

Gene: CHM (CHM Rab escort protein; minus strand). Cytogenetic location: Xq21.2.
Variant type: single nucleotide variant.
Coding change: c.1653C>A on transcript NM_000390.4 (MANE Select); coding-DNA position 1653, C replaced by A.
Protein change: p.Tyr551Ter; replaces tyrosine 551 with a stop codon.
Molecular consequence: nonsense.
Genome position (GRCh38, 1-based): chrX:85,873,169, G>T on the plus strand (C>A on the coding strand, the complement: CHM is on the minus strand). VCF-style: chrX-85873169-G-T. GRCh37 (hg19) VCF-style: chrX-85128174-G-T.
Other names: c.1209C>A, p.Tyr403Ter (NM_001320959.1, NM_001362517.1, NM_001362518.2 and 1 more transcripts); short protein forms Y551*, Y403*.
Identifiers: ClinVar variation 1458130 (VCV001458130.6), dbSNP rs2148120627, ClinGen allele CA413786873.
Genomic context (GRCh38, chrX:85,873,169, plus strand): 5'-GTTGGATGGTAAATCATTATAACAGCTCCTGCTGATGTCTGACGAATCTCTCATATTGAA[G>T]TAAAGAGCCCACAGAATTCTTGGCTTTTCTACTTGTTCATTTTCTAAATATAGAAATAAA-3'